The following is an entry in ClinVar:

NM_000256.3(MYBPC3):c.3112G>A (p.Val1038Met)

Gene: MYBPC3 (myosin binding protein C3; minus strand). Cytogenetic location: 11p11.2.
Variant type: single nucleotide variant.
Coding change: c.3112G>A on transcript NM_000256.3 (MANE Select); coding-DNA position 3112, G replaced by A.
Protein change: p.Val1038Met; replaces valine 1038 with methionine.
Molecular consequence: missense variant.
Genome position (GRCh38, 1-based): chr11:47,333,635, C>T on the plus strand (G>A on the coding strand, the complement: MYBPC3 is on the minus strand). VCF-style: chr11-47333635-C-T. GRCh37 (hg19) VCF-style: chr11-47355186-C-T.
Other names: short protein forms V1038M.
Identifiers: ClinVar variation 1005344 (VCV001005344.12), dbSNP rs370223247, ClinGen allele CA079139.

ClinVar aggregate classification (germline): Conflicting classifications of pathogenicity. Review status: criteria provided, conflicting classifications (1 of 4 stars). 6 submissions from 6 submitters: Uncertain significance (5); Likely benign (1). Last evaluated 2025-12-23.

Conditions:
Cardiovascular phenotype. Identifiers: MedGen CN230736.
Cardiomyopathy (CMYO). Also called: Cardiomyopathies. Identifiers: Orphanet 167848, MedGen C0878544, MONDO:0004994, HP:0001638. Inheritance: Various modes of inheritance.
Hypertrophic cardiomyopathy. Also called: HYPERTROPHIC MYOCARDIOPATHY. Identifiers: Orphanet 217569, MedGen C0007194, MeSH D002312, MONDO:0005045, HP:0001639.
Left ventricular noncompaction 10 (LVNC10). Identifiers: Orphanet 154, Orphanet 54260, MedGen C3715165, MONDO:0014163, OMIM 615396.

Allele frequency attached by ClinVar (database versions not stated): TOPMed below 0.00001; ExAC 0.00002; gnomAD 0.00001; gnomAD exomes 0.00001; ESP Exome Variant Server 0.00008.
gnomAD v4.1: 27 of 1,607,600 alleles (0.0017%); highest among the groups gnomAD compares: East Asian, 0.0022%; no homozygotes.

Submissions (6):

Labcorp Genetics (formerly Invitae), Labcorp
Classification: Uncertain significance for Hypertrophic cardiomyopathy. Last evaluated: 2025-12-23. Review status: criteria provided, single submitter. Criteria: Invitae Variant Classification Sherloc (09022015). Collection method: clinical testing. Allele origin: germline.
Comment: This sequence change replaces valine, which is neutral and non-polar, with methionine, which is neutral and non-polar, at codon 1038 of the MYBPC3 protein (p.Val1038Met). This variant is present in population databases (rs370223247, gnomAD 0.003%). This missense change has been observed in individual(s) with clinical features of MYBPC3-related conditions (PMID: 21520333). ClinVar contains an entry for this variant (Variation ID: 1005344). An algorithm developed to predict the effect of missense changes on protein structure and function (PolyPhen-2) suggests that this variant is likely to be tolerated. In summary, the available evidence is currently insufficient to determine the role of this variant in disease. Therefore, it has been classified as a Variant of Uncertain Significance.

Ambry Genetics
Classification: Likely benign for Cardiovascular phenotype. Last evaluated: 2025-11-10. Review status: criteria provided, single submitter. Criteria: Ambry Variant Classification Scheme 2023. Collection method: clinical testing. Allele origin: germline.

Color Diagnostics, LLC DBA Color Health
Classification: Uncertain significance for Cardiomyopathy. Last evaluated: 2025-09-11. Review status: criteria provided, single submitter. Criteria: ACMG Guidelines, 2015. Collection method: clinical testing. Allele origin: germline.
Comment: This missense variant replaces valine with methionine at codon 1038 of the MYBPC3 protein. Computational prediction suggests that this variant may not impact protein structure and function. To our knowledge, functional studies have not been reported for this variant. This variant has not been reported in individuals affected with MYBPC3-related disorders in the literature. This variant has been identified in 3/244812 chromosomes in the general population by the Genome Aggregation Database (gnomAD). The available evidence is insufficient to determine the role of this variant in disease conclusively. Therefore, this variant is classified as a Variant of Uncertain Significance.

All of Us Research Program, National Institutes of Health
Classification: Uncertain significance for Hypertrophic cardiomyopathy. Last evaluated: 2023-11-30. Review status: criteria provided, single submitter. Criteria: ACMG Guidelines, 2015. Collection method: clinical testing. Allele origin: germline. Inheritance: Autosomal dominant inheritance. Observed: 5 variant alleles, 5 heterozygotes.
Comment: This missense variant replaces valine with methionine at codon 1038 of the MYBPC3 protein. Computational prediction suggests that this variant may not impact protein structure and function (internally defined REVEL score threshold <= 0.5, PMID: 27666373). To our knowledge, functional studies have not been reported for this variant. This variant has not been reported in individuals affected with cardiovascular disorders in the literature. This variant has been identified in 3/244812 chromosomes in the general population by the Genome Aggregation Database (gnomAD). The available evidence is insufficient to determine the role of this variant in disease conclusively. Therefore, this variant is classified as a Variant of Uncertain Significance.

This study involves interpretation of variants in research participants for the purpose of population health screening. Participant phenotype was not available at the time of variant classification. Additional details can be found in publication PMID: 35346344, PMCID: PMC8962531

GeneDx
Classification: Uncertain significance. Last evaluated: 2022-04-11. Review status: criteria provided, single submitter. Criteria: GeneDx Variant Classification Process June 2021. Collection method: clinical testing. Allele origin: germline. Affected: yes.
Comment: Has not been previously published as pathogenic or benign to our knowledge; Not observed at significant frequency in large population cohorts (gnomAD); In silico analysis supports that this missense variant does not alter protein structure/function

Baylor Genetics
Classification: Uncertain significance for Left ventricular noncompaction 10. Last evaluated: 2018-11-03. Review status: criteria provided, single submitter. Criteria: ACMG Guidelines, 2015. Collection method: clinical testing. Allele origin: maternal. Affected: yes.
Comment: This variant was determined to be of uncertain significance according to ACMG Guidelines, 2015 [PMID:25741868].

Literature cited by the submitters: PubMed 21520333 (cited by Labcorp Genetics (formerly Invitae), Labcorp); PubMed 35629155 (cited by Ambry Genetics).